The following is an entry in ClinVar:

ClinVar aggregate classification (germline): Uncertain significance (1 of 4 stars; one submission).

Submission:

Ambry Genetics
Classification: Uncertain significance. Last evaluated: 2025-12-18. Review status: criteria provided, single submitter. Criteria: Ambry Variant Classification Scheme 2023. Collection method: clinical testing. Allele origin: germline.
Comment: The p.P756T variant (also known as c.2266C>A), located in coding exon 10 of the WNK2 gene, results from a C to A substitution at nucleotide position 2266. The proline at codon 756 is replaced by threonine, an amino acid with highly similar properties. This amino acid position is conserved. In addition, this alteration is predicted to be tolerated by in silico analysis. Based on the available evidence, the clinical significance of this variant remains unclear.

NM_006648.4(WNK2):c.2266C>A (p.Pro756Thr)

Gene: WNK2 (WNK lysine deficient protein kinase 2; plus strand). Cytogenetic location: 9q22.31.
Variant type: single nucleotide variant.
Coding change: c.2266C>A on transcript NM_006648.4 (MANE Select); coding-DNA position 2266, C replaced by A.
Protein change: p.Pro756Thr; replaces proline 756 with threonine.
Molecular consequence: missense variant.
Genome position (GRCh38, 1-based): chr9:93,257,023, C>A. VCF-style: chr9-93257023-C-A. GRCh37 (hg19) VCF-style: chr9-96019305-C-A.
Other names: c.2266C>A, p.Pro756Thr (NM_001282394.3); short protein forms P756T.
Identifiers: ClinVar variation 4842081 (VCV004842081.1).